The following is an entry in ClinVar:

NM_020987.5(ANK3):c.2502G>A (p.Met834Ile)

Gene: ANK3 (ankyrin 3; minus strand). Cytogenetic location: 10q21.2.
Variant type: single nucleotide variant.
Coding change: c.2502G>A on transcript NM_020987.5 (MANE Select); coding-DNA position 2502, G replaced by A.
Protein change: p.Met834Ile; replaces methionine 834 with isoleucine.
Molecular consequence: missense variant.
Genome position (GRCh38, 1-based): chr10:60,166,873, C>T on the plus strand (G>A on the coding strand, the complement: ANK3 is on the minus strand). VCF-style: chr10-60166873-C-T. GRCh37 (hg19) VCF-style: chr10-61926631-C-T.
Other names: c.2484G>A, p.Met828Ile (NM_001204403.2); c.2451G>A, p.Met817Ile (NM_001204404.2); c.2502G>A, p.Met834Ile (NM_001320874.2); short protein forms M817I, M834I, M828I.
Identifiers: ClinVar variation 1400314 (VCV001400314.8), dbSNP rs2132296500, ClinGen allele CA376983423.
Genomic context (GRCh38, chr10:60,166,873, plus strand): 5'-CATTTTCATACCTTCATCATCAGACATATCAAGAACTTCATTCATCGTTTCTGGAACATT[C>T]ATTTTGTGCTTCTCTGTGACAGTCTAGTAACAAAAAAGCAGTCATTTTAGTGTGAGCAGA-3'
Protein context (NP_066267.2, residues 824-844): TTTTVTEKHK[Met834Ile]NVPETMNEVL

ClinVar aggregate classification (germline): Conflicting classifications of pathogenicity. Review status: criteria provided, conflicting classifications (1 of 4 stars). 2 submissions from 2 submitters: Uncertain significance (1); Likely benign (1). Last evaluated 2025-10-01.

Submissions (2):

Labcorp Genetics (formerly Invitae), Labcorp
Classification: Uncertain significance. Last evaluated: 2025-10-01. Review status: criteria provided, single submitter. Criteria: Invitae Variant Classification Sherloc (09022015). Collection method: clinical testing. Allele origin: germline.
Comment: This sequence change replaces methionine, which is neutral and non-polar, with isoleucine, which is neutral and non-polar, at codon 834 of the ANK3 protein (p.Met834Ile). This variant is not present in population databases (gnomAD no frequency). This variant has not been reported in the literature in individuals affected with ANK3-related conditions. ClinVar contains an entry for this variant (Variation ID: 1400314). Invitae Evidence Modeling of protein sequence and biophysical properties (such as structural, functional, and spatial information, amino acid conservation, physicochemical variation, residue mobility, and thermodynamic stability) has been performed for this missense variant. However, the output from this modeling did not meet the statistical confidence thresholds required to predict the impact of this variant on ANK3 protein function. In summary, the available evidence is currently insufficient to determine the role of this variant in disease. Therefore, it has been classified as a Variant of Uncertain Significance.

Laboratorio de Genetica e Diagnostico Molecular, Hospital Israelita Albert Einstein
Classification: Likely benign. Last evaluated: 2020-07-01. Review status: criteria provided, single submitter. Criteria: ACMG Guidelines, 2015. Collection method: clinical testing. Allele origin: germline. Affected: yes.
Comment: ACMG classification criteria: PM2, BP1, BP4